The following is an entry in ClinVar:

NM_001378454.1(ALMS1):c.7754G>A (p.Gly2585Glu)

Gene: ALMS1 (ALMS1 centrosome and basal body associated protein; plus strand). Cytogenetic location: 2p13.1.
Variant type: single nucleotide variant.
Coding change: c.7754G>A on transcript NM_001378454.1 (MANE Select); coding-DNA position 7754, G replaced by A.
Protein change: p.Gly2585Glu; replaces glycine 2585 with glutamic acid.
Molecular consequence: missense variant.
Genome position (GRCh38, 1-based): chr2:73,489,713, G>A. VCF-style: chr2-73489713-G-A. GRCh37 (hg19) VCF-style: chr2-73716840-G-A.
Other names: c.7757G>A, p.Gly2586Glu (NM_015120.4); short protein forms G2585E, G2586E.
Identifiers: ClinVar variation 4685079 (VCV004685079.1).

ClinVar aggregate classification (germline): Uncertain significance (1 of 4 stars; one submission).

Submission:

GeneDx
Classification: Uncertain significance. Last evaluated: 2025-07-08. Review status: criteria provided, single submitter. Criteria: GeneDx Variant Classification Process June 2021. Collection method: clinical testing. Allele origin: germline. Affected: yes.
Comment: Not observed at significant frequency in large population cohorts (gnomAD); In silico analysis supports that this missense variant has a deleterious effect on protein structure/function; Has not been previously published as pathogenic or benign to our knowledge